The following is an entry in ClinVar:

NM_001166108.2(PALLD):c.2516A>G (p.Asp839Gly)

Genes: CBR4 (carbonyl reductase 4; minus strand), PALLD (palladin, cytoskeletal associated protein; plus strand). Cytogenetic location: 4q32.3.
Variant type: single nucleotide variant.
Coding change: c.2516A>G on transcript NM_001166108.2 (MANE Select); coding-DNA position 2516, A replaced by G.
Protein change: p.Asp839Gly; replaces aspartic acid 839 with glycine.
Molecular consequence: missense variant.
Genome position (GRCh38, 1-based): chr4:168,903,800, A>G. VCF-style: chr4-168903800-A-G. GRCh37 (hg19) VCF-style: chr4-169824951-A-G.
Other names: c.1319A>G, p.Asp440Gly (NM_001166109.2); c.1004A>G, p.Asp335Gly (NM_001166110.2); c.344A>G, p.Asp115Gly (NM_001367567.1, NM_001367569.1); c.395A>G, p.Asp132Gly (NM_001367568.1, NM_001367570.1); c.2465A>G, p.Asp822Gly (NM_016081.4); c.1004A>G (NM_001166110.1); short protein forms D839G, D115G, D132G, D335G, D440G, D822G.
Identifiers: ClinVar variation 2198451 (VCV002198451.5), dbSNP rs752801252, ClinGen allele CA3135900.

ClinVar aggregate classification (germline): Uncertain significance. Review status: criteria provided, multiple submitters, no conflicts (2 of 4 stars). 2 submissions from 2 submitters: Uncertain significance (2). Last evaluated 2025-03-28.

Conditions:
Pancreatic adenocarcinoma. Identifiers: MedGen C0281361, MONDO:0006047, HP:0006725.

Allele frequency attached by ClinVar (database versions not stated): ExAC 0.00001; gnomAD 0.00001; TOPMed 0.00003.
gnomAD v4.1: 1 of 1,611,932 alleles (0.000062%); highest among the groups gnomAD compares: African/African-American, 0.0013%; no homozygotes.

Submissions (2):

Ambry Genetics
Classification: Uncertain significance. Last evaluated: 2025-03-28. Review status: criteria provided, single submitter. Criteria: Ambry Variant Classification Scheme 2023. Collection method: clinical testing. Allele origin: germline.
Comment: The p.D335G variant (also known as c.1004A>G), located in coding exon 5 of the PALLD gene, results from an A to G substitution at nucleotide position 1004. The aspartic acid at codon 335 is replaced by glycine, an amino acid with similar properties. This amino acid position is conserved. In addition, this alteration is predicted to be tolerated by in silico analysis. Based on the available evidence, the clinical significance of this variant remains unclear.

Labcorp Genetics (formerly Invitae), Labcorp
Classification: Uncertain significance for Pancreatic adenocarcinoma. Last evaluated: 2022-03-28. Review status: criteria provided, single submitter. Criteria: Invitae Variant Classification Sherloc (09022015). Collection method: clinical testing. Allele origin: germline.
Comment: In summary, the available evidence is currently insufficient to determine the role of this variant in disease. Therefore, it has been classified as a Variant of Uncertain Significance. Algorithms developed to predict the effect of missense changes on protein structure and function (SIFT, PolyPhen-2, Align-GVGD) all suggest that this variant is likely to be disruptive. This variant has not been reported in the literature in individuals affected with PALLD-related conditions. This variant is present in population databases (rs752801252, gnomAD 0.006%). This sequence change replaces aspartic acid, which is acidic and polar, with glycine, which is neutral and non-polar, at codon 335 of the PALLD protein (p.Asp335Gly).